The following is an entry in ClinVar:

ClinVar aggregate classification (germline): Uncertain significance (1 of 4 stars; one submission).

Conditions:
Hyperphosphatasia with impaired intellectual development syndrome 1. Also called: MABRY SYNDROME; GLYCOSYLPHOSPHATIDYLINOSITOL BIOSYNTHESIS DEFECT 2; Hyperphosphatasia with intellectual disability syndrome 1. Identifiers: Orphanet 247262, MedGen C4551502, MONDO:0009398, OMIM 239300.

Submission:

3billion
Classification: Uncertain significance for Hyperphosphatasia with impaired intellectual development syndrome 1. Last evaluated: 2023-12-21. Review status: criteria provided, single submitter. Criteria: ACMG Guidelines, 2015. Collection method: clinical testing. Allele origin: germline. Affected: yes.
Comment: The variant is observed at an extremely low frequency in the gnomAD v2.1.1 dataset (total allele frequency: 0.011%). Predicted Consequence/Location: Missense changes are a common disease-causing mechanism. In silico tool predictions suggest damaging effect of the variant on gene or gene product [REVEL: 0.83 (>=0.6, sensitivity 0.68 and specificity 0.92)]. Same nucleotide change resulting in same amino acid change has been previously reported as pathogenic/likely pathogenic with strong evidence (ClinVar ID: VCV000001284).The variant has been reported to be in trans with a pathogenic variant as either compound heterozygous or homozygous in at least 2 similarly affected unrelated individuals (PMID: 20802478, 24129430).A different missense change at the same codon (p.Ala341Val) has been reported to be associated with PIGV related disorder (ClinVar ID: VCV000001287). Therefore, this variant is classified as Pathogenic according to the recommendation of ACMG/AMP guideline.

NM_017837.4(PIGV):c.632G>A (p.Gly211Asp)

Gene: PIGV (phosphatidylinositol glycan anchor biosynthesis class V; plus strand). Cytogenetic location: 1p36.11.
Variant type: single nucleotide variant.
Coding change: c.632G>A on transcript NM_017837.4 (MANE Select); coding-DNA position 632, G replaced by A.
Protein change: p.Gly211Asp; replaces glycine 211 with aspartic acid.
Molecular consequence: missense variant. On other transcripts: non-coding transcript variant (1), intron variant (3).
Genome position (GRCh38, 1-based): chr1:26,794,666, G>A. VCF-style: chr1-26794666-G-A. GRCh37 (hg19) VCF-style: chr1-27121157-G-A.
Other names: c.632G>A, p.Gly211Asp (NM_001202554.2, NM_001374478.1, NM_001374480.1 and 2 more transcripts); c.251G>A, p.Gly84Asp (NM_001374483.1); c.173-168G>A (NM_001374484.1, NM_001374485.1); c.79-2897G>A (NM_001374486.1); short protein forms G211D, G84D.
Identifiers: ClinVar variation 3775888 (VCV003775888.1).
Genomic context (GRCh38, chr1:26,794,666, plus strand): 5'-CTAGTGTACTCCTCTTTGCCTTTGCCACTGGGGTACGCTCCAACGGGCTGGTCAGTGTTG[G>A]CTTCCTCATGCATTCTCAATGCCAAGGCTTTTTCTCTTCTCTAACGATGCTGAATCCTCT-3'
Protein context (NP_060307.2, residues 201-221): GVRSNGLVSV[Gly211Asp]FLMHSQCQGF